The following is an entry in ClinVar:

ClinVar aggregate classification (germline): Conflicting classifications of pathogenicity. Review status: criteria provided, conflicting classifications (1 of 4 stars). 3 submissions from 3 submitters: Uncertain significance (2); Likely benign (1). Last evaluated 2025-04-09.

Conditions:
SH3TC2-related disorder. Also called: SH3TC2-related condition; SH3TC2-related disorders. Identifiers: MedGen CN239303.
Charcot-Marie-Tooth disease type 4. Also called: Charcot-Marie-Tooth disease, type IV; Charcot-Marie-Tooth, Type 4. Identifiers: Orphanet 64749, MedGen C4082197, MONDO:0018995.

Allele frequency attached by ClinVar (database versions not stated): TOPMed below 0.00001; gnomAD exomes 0.00001 and 0.00005; gnomAD 0.00003; ExAC 0.00005.

Submissions (3):

PreventionGenetics, part of Exact Sciences
Classification: Uncertain significance for SH3TC2-related condition. Last evaluated: 2025-04-09. Review status: criteria provided, single submitter. Criteria: ACMG Guidelines, 2015. Collection method: clinical testing. Allele origin: germline.
Comment: The SH3TC2 c.2989C>T variant is predicted to result in the amino acid substitution p.Arg997Trp. This variant has been reported in an individual with Charcot-Marie-Tooth disease and was assessed as non-causative as this individual carried also SH3T2 p.Ser72Leu variant which was assessed as causative (patient 23, Table S2, Choi et al. 2012. PubMed ID: 22730194). This variant is reported in 0.050% of alleles in individuals of East Asian descent in gnomAD. At this time, the clinical significance of this variant is uncertain due to the absence of conclusive functional and genetic evidence.

Women's Health and Genetics/Laboratory Corporation of America, LabCorp
Classification: Uncertain significance. Last evaluated: 2024-05-10. Review status: criteria provided, single submitter. Criteria: LabCorp Variant Classification Summary - May 2015. Collection method: clinical testing. Allele origin: germline.
Comment: Variant summary: SH3TC2 c.2989C>T (p.Arg997Trp) results in a non-conservative amino acid change in the encoded protein sequence. Five of five in-silico tools predict a damaging effect of the variant on protein function. The variant allele was found at a frequency of 5.2e-05 in 251470 control chromosomes. This frequency is not significantly higher than estimated for a pathogenic variant in SH3TC2 causing Charcot-Marie Disease Type 4C, allowing no conclusion about variant significance. c.2989C>T has been reported in the literature in an individual affected with Charcot-Marie Disease, however the variant co-occurred with a pathogenic variant (PMP22 c.215C>T, p.Ser72Leu), providing supporting evidence for a benign role (Choi_2012). To our knowledge, no experimental evidence demonstrating an impact on protein function has been reported. The following publication has been ascertained in the context of this evaluation (PMID: 22730194). ClinVar contains an entry for this variant (Variation ID: 578843). Based on the evidence outlined above, the variant was classified as uncertain significance.

Labcorp Genetics (formerly Invitae), Labcorp
Classification: Likely benign for Charcot-Marie-Tooth disease type 4. Last evaluated: 2023-10-13. Review status: criteria provided, single submitter. Criteria: Invitae Variant Classification Sherloc (09022015). Collection method: clinical testing. Allele origin: germline.

Literature cited by the submitters: PubMed 22730194 (cited by Women's Health and Genetics/Laboratory Corporation of America, LabCorp).

NM_024577.4(SH3TC2):c.2989C>T (p.Arg997Trp)

Gene: SH3TC2 (SH3 domain and tetratricopeptide repeats 2; minus strand). Cytogenetic location: 5q32.
Variant type: single nucleotide variant.
Coding change: c.2989C>T on transcript NM_024577.4 (MANE Select); coding-DNA position 2989, C replaced by T.
Protein change: p.Arg997Trp; replaces arginine 997 with tryptophan.
Molecular consequence: missense variant.
Genome position (GRCh38, 1-based): chr5:149,026,636, G>A on the plus strand (C>T on the coding strand, the complement: SH3TC2 is on the minus strand). VCF-style: chr5-149026636-G-A. GRCh37 (hg19) VCF-style: chr5-148406199-G-A.
Other names: short protein forms R997W.
Identifiers: ClinVar variation 578843 (VCV000578843.10), dbSNP rs763331671, ClinGen allele CA3498882.